The following is an entry in ClinVar:

NM_002439.5(MSH3):c.1712T>C (p.Phe571Ser)

Gene: MSH3 (mutS homolog 3; plus strand). Cytogenetic location: 5q14.1.
Variant type: single nucleotide variant.
Coding change: c.1712T>C on transcript NM_002439.5 (MANE Select); coding-DNA position 1712, T replaced by C.
Protein change: p.Phe571Ser; replaces phenylalanine 571 with serine.
Molecular consequence: missense variant.
Genome position (GRCh38, 1-based): chr5:80,744,564, T>C. VCF-style: chr5-80744564-T-C. GRCh37 (hg19) VCF-style: chr5-80040383-T-C.
Other names: short protein forms F571S.
Identifiers: ClinVar variation 665470 (VCV000665470.16), dbSNP rs1046367272, ClinGen allele CA121301447.

ClinVar aggregate classification (germline): Uncertain significance. Review status: criteria provided, multiple submitters, no conflicts (2 of 4 stars). 5 submissions from 5 submitters: Uncertain significance (5). Last evaluated 2025-12-20.

Conditions:
Hereditary cancer-predisposing syndrome. Also called: Neoplastic Syndromes, Hereditary; Tumor predisposition; Hereditary neoplastic syndrome; Hereditary Cancer Syndrome. Identifiers: Orphanet 140162, MedGen C0027672, MeSH D009386, MONDO:0015356.
Endometrial carcinoma. Also called: Endometrial carcinoma, somatic. Identifiers: MedGen C0476089, MONDO:0002447, OMIM 608089, HP:0012114.

Allele frequency attached by ClinVar (database versions not stated): gnomAD 0.00001; gnomAD exomes 0.00001; TOPMed 0.00001.
gnomAD v4.1: 30 of 1,613,842 alleles (0.0019%); highest among the groups gnomAD compares: Non-Finnish European, 0.0025%; no homozygotes.

Submissions (5):

Labcorp Genetics (formerly Invitae), Labcorp
Classification: Uncertain significance. Last evaluated: 2025-12-20. Review status: criteria provided, single submitter. Criteria: Invitae Variant Classification Sherloc (09022015). Collection method: clinical testing. Allele origin: germline.
Comment: This sequence change replaces phenylalanine, which is neutral and non-polar, with serine, which is neutral and polar, at codon 571 of the MSH3 protein (p.Phe571Ser). This variant is present in population databases (no rsID available, gnomAD 0.004%). This variant has not been reported in the literature in individuals affected with MSH3-related conditions. ClinVar contains an entry for this variant (Variation ID: 665470). An algorithm developed to predict the effect of missense changes on protein structure and function (PolyPhen-2) suggests that this variant is likely to be disruptive. In summary, the available evidence is currently insufficient to determine the role of this variant in disease. Therefore, it has been classified as a Variant of Uncertain Significance.

Ambry Genetics
Classification: Uncertain significance for Hereditary cancer-predisposing syndrome. Last evaluated: 2025-10-22. Review status: criteria provided, single submitter. Criteria: Ambry Variant Classification Scheme 2023. Collection method: clinical testing. Allele origin: germline.

Quest Diagnostics Nichols Institute San Juan Capistrano
Classification: Uncertain significance. Last evaluated: 2025-07-22. Review status: criteria provided, single submitter. Criteria: Quest Diagnostics criteria. Collection method: clinical testing. Allele origin: unknown.
Comment: The MSH3 c.1712T>C (p.Phe571Ser) variant has not been reported in individuals with MSH3-related conditions in the published literature. The frequency of this variant in the general population (Genome Aggregation Database) is uninformative in the assessment of its pathogenicity. Analysis of this variant using bioinformatics tools for the prediction of the effect of amino acid changes on protein structure and function yielded predictions that this variant is damaging. Based on the available information, we are unable to determine the clinical significance of this variant.

Blueprint Genetics
Classification: Uncertain significance. Last evaluated: 2024-10-16. Review status: criteria provided, single submitter. Criteria: ACMG Guidelines, 2015. Collection method: clinical testing. Allele origin: germline.

Baylor Genetics
Classification: Uncertain significance for Endometrial carcinoma. Last evaluated: 2024-03-08. Review status: criteria provided, single submitter. Criteria: ACMG Guidelines, 2015. Collection method: clinical testing. Allele origin: unknown.